The following is an entry in ClinVar:

NM_015295.3(SMCHD1):c.4197C>G (p.Asp1399Glu)

Gene: SMCHD1 (structural maintenance of chromosomes flexible hinge domain containing 1; plus strand). Cytogenetic location: 18p11.32.
Variant type: single nucleotide variant.
Coding change: c.4197C>G on transcript NM_015295.3 (MANE Select); coding-DNA position 4197, C replaced by G.
Protein change: p.Asp1399Glu; replaces aspartic acid 1399 with glutamic acid.
Molecular consequence: missense variant.
Genome position (GRCh38, 1-based): chr18:2,751,309, C>G. VCF-style: chr18-2751309-C-G. GRCh37 (hg19) VCF-style: chr18-2751307-C-G.
Other names: c.4197C>G (NM_015295.2); short protein forms D1399E.
Identifiers: ClinVar variation 1943999 (VCV001943999.6), dbSNP rs199827206, ClinGen allele CA8871412.

ClinVar aggregate classification (germline): Uncertain significance. Review status: criteria provided, multiple submitters, no conflicts (2 of 4 stars). 2 submissions from 2 submitters: Uncertain significance (2). Last evaluated 2025-12-03.

Conditions:
Inborn genetic diseases. Identifiers: MedGen C0950123, MeSH D030342.
Facioscapulohumeral muscular dystrophy 2 (FSHD2). Also called: MUSCULAR DYSTROPHY, FACIOSCAPULOHUMERAL, TYPE 1B; FACIOSCAPULOHUMERAL MUSCULAR DYSTROPHY 2, DIGENIC; FSHD2, DIGENIC. Identifiers: Orphanet 269, MedGen C1834671, MONDO:0008031, OMIM 158901.

Allele frequency attached by ClinVar (database versions not stated): ExAC 0.00002; gnomAD 0.00003; TOPMed 0.00010; 1000 Genomes Project 30x 0.00031; 1000 Genomes Project 0.00040.
gnomAD v4.1: 13 of 1,575,140 alleles (0.00083%); highest among the groups gnomAD compares: African/African-American, 0.011%; no homozygotes.

Submissions (2):

Labcorp Genetics (formerly Invitae), Labcorp
Classification: Uncertain significance for Facioscapulohumeral muscular dystrophy 2. Last evaluated: 2025-12-03. Review status: criteria provided, single submitter. Criteria: Invitae Variant Classification Sherloc (09022015). Collection method: clinical testing. Allele origin: germline.
Comment: This sequence change replaces aspartic acid, which is acidic and polar, with glutamic acid, which is acidic and polar, at codon 1399 of the SMCHD1 protein (p.Asp1399Glu). This variant is present in population databases (rs199827206, gnomAD 0.02%). This variant has not been reported in the literature in individuals affected with SMCHD1-related conditions. ClinVar contains an entry for this variant (Variation ID: 1943999). Invitae Evidence Modeling of protein sequence and biophysical properties (such as structural, functional, and spatial information, amino acid conservation, physicochemical variation, residue mobility, and thermodynamic stability) indicates that this missense variant is not expected to disrupt SMCHD1 protein function with a negative predictive value of 80%. In summary, the available evidence is currently insufficient to determine the role of this variant in disease. Therefore, it has been classified as a Variant of Uncertain Significance.

Ambry Genetics
Classification: Uncertain significance for Inborn genetic diseases. Last evaluated: 2025-08-05. Review status: criteria provided, single submitter. Criteria: Ambry Variant Classification Scheme 2023. Collection method: clinical testing. Allele origin: germline.